The following is an entry in ClinVar:

NM_001349253.2(SCN11A):c.2494G>A (p.Val832Ile)

Gene: SCN11A (sodium voltage-gated channel alpha subunit 11; minus strand). Cytogenetic location: 3p22.2.
Variant type: single nucleotide variant.
Coding change: c.2494G>A on transcript NM_001349253.2 (MANE Select); coding-DNA position 2494, G replaced by A.
Protein change: p.Val832Ile; replaces valine 832 with isoleucine.
Molecular consequence: missense variant.
Genome position (GRCh38, 1-based): chr3:38,894,874, C>T on the plus strand (G>A on the coding strand, the complement: SCN11A is on the minus strand). VCF-style: chr3-38894874-C-T. GRCh37 (hg19) VCF-style: chr3-38936365-C-T.
Other names: c.2494G>A, p.Val832Ile (NM_014139.3); short protein forms V832I.
Identifiers: ClinVar variation 4055982 (VCV004055982.1).
Genomic context (GRCh38, chr3:38,894,874, plus strand): 5'-GCTCAAGAGTGTGTCTCACAAAACAAAAAGCCCGGCGGAATCGATCCAGTGCTAACTGGA[C>T]TTTAGTTTTCCTGGCCTCTCCTTCTAAGTTTCCATTTCTTTCCTCATTGCTAAAGGAATT-3'
Protein context (NP_001336182.1, residues 822-842): NLEGEARKTK[Val832Ile]QLALDRFRRA

ClinVar aggregate classification (germline): Uncertain significance (1 of 4 stars; one submission).

Submission:

GeneDx
Classification: Uncertain significance. Last evaluated: 2025-01-03. Review status: criteria provided, single submitter. Criteria: GeneDx Variant Classification Process June 2021. Collection method: clinical testing. Allele origin: germline. Affected: yes.
Comment: Not observed at significant frequency in large population cohorts (gnomAD); In silico analysis indicates that this missense variant does not alter protein structure/function; Has not been previously published as pathogenic or benign to our knowledge